The following is an entry in ClinVar:

NM_022124.6(CDH23):c.6197G>A (p.Arg2066Gln)

Gene: CDH23 (cadherin related 23; plus strand). Cytogenetic location: 10q22.1.
Variant type: single nucleotide variant.
Coding change: c.6197G>A on transcript NM_022124.6 (MANE Select); coding-DNA position 6197, G replaced by A.
Protein change: p.Arg2066Gln; replaces arginine 2066 with glutamine.
Molecular consequence: missense variant.
Genome position (GRCh38, 1-based): chr10:71,791,279, G>A. VCF-style: chr10-71791279-G-A. GRCh37 (hg19) VCF-style: chr10-73551036-G-A.
Other names: short protein forms R2066Q.
Identifiers: ClinVar variation 46006 (VCV000046006.25), dbSNP rs201887949, ClinGen allele CA137527.

ClinVar aggregate classification (germline): Benign/Likely benign. Review status: criteria provided, multiple submitters, no conflicts (2 of 4 stars). 7 submissions from 6 submitters: Benign (5); Likely benign (1). 1 of the submissions does not count toward it. Last evaluated 2026-02-02.

Conditions:
CDH23-related disorder. Also called: CDH23-related condition; CDH23-related disorders.
Autosomal recessive nonsyndromic hearing loss 12. Also called: DEAFNESS, AUTOSOMAL RECESSIVE 12. Identifiers: Orphanet 90636, MedGen C1832394, MONDO:0011067, OMIM 601386.
Usher syndrome type 1D (USH1D). Also called: USHER SYNDROME, TYPE ID. Identifiers: Orphanet 231169, Orphanet 886, MedGen C1832845, MONDO:0010984, OMIM 601067.

Allele frequency attached by ClinVar (database versions not stated): ESP Exome Variant Server 0.00008; gnomAD 0.00010 and 0.00160; TOPMed 0.00037; gnomAD exomes 0.00271 and 0.00560; ExAC 0.00636; 1000 Genomes Project 30x 0.01187; 1000 Genomes Project 0.01298.
gnomAD v4.1: 4,208 of 1,613,816 alleles (0.26%); highest among the groups gnomAD compares: South Asian, 4.3%; 115 homozygotes.

Submissions (7):

Labcorp Genetics (formerly Invitae), Labcorp
Classification: Benign. Last evaluated: 2026-02-02. Review status: criteria provided, single submitter. Criteria: Invitae Variant Classification Sherloc (09022015). Collection method: clinical testing. Allele origin: germline.

GeneDx
Classification: Benign. Last evaluated: 2018-03-21. Review status: criteria provided, single submitter. Criteria: GeneDx Variant Classification (06012015). Collection method: clinical testing. Allele origin: germline. Affected: yes.
Comment: This variant is considered likely benign or benign based on one or more of the following criteria: it is a conservative change, it occurs at a poorly conserved position in the protein, it is predicted to be benign by multiple in silico algorithms, and/or has population frequency not consistent with disease.

Illumina Laboratory Services, Illumina
Classification: Benign for Usher syndrome type 1D. Last evaluated: 2017-04-27. Review status: criteria provided, single submitter. Criteria: ICSL Variant Classification Criteria 13 December 2019. Collection method: clinical testing. Allele origin: germline.
Comment: This variant was observed as part of a predisposition screen in an ostensibly healthy population. A literature search was performed for the gene, cDNA change, and amino acid change (where applicable). Publications were found based on this search. The evidence from the literature, in combination with allele frequency data from public databases where available, was sufficient to rule this variant out of causing disease. Therefore, this variant is classified as benign.

Illumina Laboratory Services, Illumina
Classification: Likely benign for Autosomal recessive nonsyndromic hearing loss 12. Last evaluated: 2017-04-27. Review status: criteria provided, single submitter. Criteria: ICSL Variant Classification Criteria 13 December 2019. Collection method: clinical testing. Allele origin: germline.
Comment: This variant was observed as part of a predisposition screen in an ostensibly healthy population. A literature search was performed for the gene, cDNA change, and amino acid change (where applicable). No publications were found based on this search. Allele frequency data from public databases allowed determination this variant is unlikely to cause disease. Therefore, this variant is classified as likely benign.

Laboratory for Molecular Medicine, Mass General Brigham Personalized Medicine
Classification: Benign. Last evaluated: 2015-11-23. Review status: criteria provided, single submitter. Criteria: LMM Criteria. Collection method: clinical testing. Allele origin: germline. Observed: 6 variant alleles.
Comment: p.Arg2066Gln in exon 47 of CDH23: This variant is not expected to have clinical significance because it has been identified in 4.6% (727/158960) of South Asian chromosomes by the Exome Aggregation Consortium (ExAC; dbSNP rs201887949).

Eurofins Ntd Llc (ga)
Classification: Benign. Last evaluated: 2015-03-16. Review status: criteria provided, single submitter. Criteria: EGL Classification Definitions 2015. Collection method: clinical testing. Allele origin: germline. Observed: 1 variant allele, 1 heterozygote.

PreventionGenetics, part of Exact Sciences
Classification: Benign for CDH23-related condition. Last evaluated: 2019-06-15. Review status: no assertion criteria provided. Collection method: clinical testing. Allele origin: germline. Not counted in ClinVar's aggregate classification.
Comment: This variant is classified as benign based on ACMG/AMP sequence variant interpretation guidelines (Richards et al. 2015 PMID: 25741868, with internal and published modifications).

Literature cited by the submitters: PubMed 22135276 (cited by Illumina Laboratory Services, Illumina); PubMed 12075507 (cited by Laboratory for Molecular Medicine, Mass General Brigham Personalized Medicine).